The following is an entry in ClinVar:

ClinVar aggregate classification (germline): Uncertain significance (1 of 4 stars; one submission).

Conditions:
Predisposition to invasive fungal disease due to CARD9 deficiency (IMD103). Also called: CARD9 IMMUNODEFICIENCY; IMMUNODEFICIENCY 103, SUSCEPTIBILITY TO FUNGAL INFECTIONS; Candidiasis, familial, 2, autosomal recessive. Identifiers: Orphanet 457088, MedGen C1859353, MONDO:0008905, OMIM 212050.

Allele frequency attached by ClinVar (database versions not stated): ExAC 0.00001; TOPMed 0.00001; gnomAD 0.00003 and 0.00004; gnomAD exomes below 0.00001.

Submission:

Labcorp Genetics (formerly Invitae), Labcorp
Classification: Uncertain significance for Predisposition to invasive fungal disease due to CARD9 deficiency. Last evaluated: 2017-12-26. Review status: criteria provided, single submitter. Criteria: Invitae Variant Classification Sherloc (09022015). Collection method: clinical testing. Allele origin: germline.
Comment: Algorithms developed to predict the effect of missense changes on protein structure and function do not agree on the potential impact of this missense change (SIFT: "Deleterious"; PolyPhen-2: "Probably Damaging"; Align-GVGD: "Class C0"). This variant has not been reported in the literature in individuals with CARD9-related disease. This variant is present in population databases (rs775267971, ExAC 0.006%). This sequence change replaces serine with leucine at codon 23 of the CARD9 protein (p.Ser23Leu). The serine residue is highly conserved and there is a large physicochemical difference between serine and leucine. In summary, the available evidence is currently insufficient to determine the role of this variant in disease. Therefore, it has been classified as a Variant of Uncertain Significance.

NM_052813.5(CARD9):c.68C>T (p.Ser23Leu)

Gene: CARD9 (caspase recruitment domain family member 9; minus strand). Cytogenetic location: 9q34.3.
Variant type: single nucleotide variant.
Coding change: c.68C>T on transcript NM_052813.5 (MANE Select); coding-DNA position 68, C replaced by T.
Protein change: p.Ser23Leu; replaces serine 23 with leucine.
Molecular consequence: missense variant.
Genome position (GRCh38, 1-based): chr9:136,372,011, G>A on the plus strand (C>T on the coding strand, the complement: CARD9 is on the minus strand). VCF-style: chr9-136372011-G-A. GRCh37 (hg19) VCF-style: chr9-139266463-G-A.
Other names: c.68C>T, p.Ser23Leu (NM_052814.4); short protein forms S23L.
Identifiers: ClinVar variation 535813 (VCV000535813.8), dbSNP rs775267971, ClinGen allele CA5333258.
Genomic context (GRCh38, chr9:136,372,011, plus strand): 5'-TCGGGGTTCAGGACCTTGCACTGCCGCAGGTAAGGTGTGATGCGTGAGGGGTCGATGACC[G>A]AGGTGAGCGTCACCCGGAAGCCCTCCAGGACGCTCCAGCACTCGTCATCGTTCTCGTAGT-3'
Protein context (NP_434700.2, residues 13-33): VLEGFRVTLT[Ser23Leu]VIDPSRITPY